The following is an entry in ClinVar:

NM_001273.5(CHD4):c.2658C>G (p.Phe886Leu)

Gene: CHD4 (chromodomain helicase DNA binding protein 4; minus strand). Cytogenetic location: 12p13.31.
Variant type: single nucleotide variant.
Coding change: c.2658C>G on transcript NM_001273.5 (MANE Select); coding-DNA position 2658, C replaced by G.
Protein change: p.Phe886Leu; replaces phenylalanine 886 with leucine.
Molecular consequence: missense variant.
Genome position (GRCh38, 1-based): chr12:6,592,812, G>C on the plus strand (C>G on the coding strand, the complement: CHD4 is on the minus strand). VCF-style: chr12-6592812-G-C. GRCh37 (hg19) VCF-style: chr12-6701978-G-C.
Other names: c.2637C>G, p.Phe879Leu (NM_001297553.2); c.2619C>G, p.Phe873Leu (NM_001363606.2); short protein forms F886L, F879L, F873L.
Identifiers: ClinVar variation 4056336 (VCV004056336.1).
Genomic context (GRCh38, chr12:6,592,812, plus strand): 5'-TTGTAATGGTGTCCCAGTCAGCAACAGCTTGTGCTGGAGTGAGTAACCATTCAATACCCG[G>C]AAGAACTGGTGAAGCAGATGGAGAAAGGTGAAATCCAATGAAAACAGAGCTCTAGCAAAT-3'
Protein context (NP_001264.2, residues 876-896): HRLKNNQSKF[Phe886Leu]RVLNGYSLQH

ClinVar aggregate classification (germline): Uncertain significance (1 of 4 stars; one submission).

Conditions:
Sifrim-Hitz-Weiss syndrome (SIHIWES). Also called: SIFRIM-HITZ-WEISS MULTIPLE CONGENITAL ANOMALIES-MENTAL RETARDATION SYNDROME; CHD4 Neurodevelopmental Disorder. Identifiers: Orphanet 653712, MedGen C4310688, MONDO:0014946, OMIM 617159.

Submission:

Institute of Human Genetics, University of Leipzig Medical Center
Classification: Uncertain significance for Sifrim-Hitz-Weiss syndrome. Last evaluated: 2025-06-02. Review status: criteria provided, single submitter. Criteria: ACMG Guidelines, 2015. Collection method: clinical testing. Allele origin: unknown. Inheritance: Autosomal dominant inheritance. Affected: yes.
Comment: Criteria applied: PM1,PM2,PP3